The following is an entry in ClinVar:

ClinVar aggregate classification (germline): Likely benign (1 of 4 stars; one submission).

Conditions:
CIDEC-related disorder. Also called: CIDEC-related condition.

gnomAD v4.1: 427 of 1,612,798 alleles (0.026%); highest among the groups gnomAD compares: African/African-American, 0.48%; 3 homozygotes.

Submission:

PreventionGenetics, part of Exact Sciences
Classification: Likely benign for CIDEC-related condition. Last evaluated: 2025-05-23. Review status: criteria provided, single submitter. Criteria: ACMG Guidelines, 2015. Collection method: clinical testing. Allele origin: germline.
Comment: This variant is classified as likely benign based on ACMG/AMP sequence variant interpretation guidelines (Richards et al. 2015 PMID: 25741868, with internal and published modifications).

NM_001321142.2(CIDEC):c.43T>A (p.Ser15Thr)

Gene: CIDEC (cell death inducing DFFA like effector c; minus strand). Cytogenetic location: 3p25.3.
Variant type: single nucleotide variant.
Coding change: c.43T>A on transcript NM_001321142.2 (MANE Select); coding-DNA position 43, T replaced by A.
Protein change: p.Ser15Thr; replaces serine 15 with threonine.
Molecular consequence: missense variant. On other transcripts: 5 prime UTR variant (2).
Genome position (GRCh38, 1-based): chr3:9,878,444, A>T on the plus strand (T>A on the coding strand, the complement: CIDEC is on the minus strand). VCF-style: chr3-9878444-A-T. GRCh37 (hg19) VCF-style: chr3-9920128-A-T.
Other names: c.43T>A, p.Ser15Thr (NM_001199551.2, NM_001199552.2, NM_001378491.1 and 1 more transcripts); c.82T>A, p.Ser28Thr (NM_001199623.2); c.-26T>A (NM_001321143.2, NM_001321144.2); short protein forms S15T, S28T.
Identifiers: ClinVar variation 4988155 (VCV004988155.1).